The following is an entry in ClinVar:

ClinVar aggregate classification (germline): Uncertain significance (1 of 4 stars; one submission).

Submission:

Ambry Genetics
Classification: Uncertain significance. Last evaluated: 2026-06-05. Review status: criteria provided, single submitter. Criteria: Ambry Variant Classification Scheme 2023. Collection method: clinical testing. Allele origin: germline.
Comment: The p.E240G variant (also known as c.719A>G), located in coding exon 3 of the PALLD gene, results from an A to G substitution at nucleotide position 719. The glutamic acid at codon 240 is replaced by glycine, an amino acid with similar properties. This amino acid position is conserved. In addition, this alteration is predicted to be tolerated by in silico analysis. Based on the available evidence, the clinical significance of this variant remains unclear.

NM_001166108.2(PALLD):c.2180A>G (p.Glu727Gly)

Genes: CBR4 (carbonyl reductase 4; minus strand), PALLD (palladin, cytoskeletal associated protein; plus strand). Cytogenetic location: 4q32.3.
Variant type: single nucleotide variant.
Coding change: c.2180A>G on transcript NM_001166108.2 (MANE Select); coding-DNA position 2180, A replaced by G.
Protein change: p.Glu727Gly; replaces glutamic acid 727 with glycine.
Molecular consequence: missense variant.
Genome position (GRCh38, 1-based): chr4:168,894,658, A>G. VCF-style: chr4-168894658-A-G. GRCh37 (hg19) VCF-style: chr4-169815809-A-G.
Other names: c.1034A>G, p.Glu345Gly (NM_001166109.2); c.719A>G, p.Glu240Gly (NM_001166110.2); c.59A>G, p.Glu20Gly (NM_001367567.1, NM_001367568.1, NM_001367569.1 and 1 more transcripts); c.2180A>G, p.Glu727Gly (NM_016081.4); short protein forms E20G, E240G, E345G, E727G.
Identifiers: ClinVar variation 4861569 (VCV004861569.1).